The following is an entry in ClinVar:

ClinVar aggregate classification (germline): Uncertain significance (1 of 4 stars; one submission).

Conditions:
HSD17B4-related disorder. Also called: HSD17B4-related disorders; HSD17B4-related condition.

gnomAD v4.1: 15 of 1,566,744 alleles (0.00096%); highest among the groups gnomAD compares: Admixed American, 0.0033%; no homozygotes.

Submission:

PreventionGenetics, part of Exact Sciences
Classification: Uncertain significance for HSD17B4-related condition. Last evaluated: 2026-07-26. Review status: criteria provided, single submitter. Criteria: ACMG Guidelines, 2015. Collection method: clinical testing. Allele origin: germline.
Comment: The HSD17B4 c.1312G>A variant is predicted to result in the amino acid substitution p.Gly438Ser. To our knowledge, this variant has not been reported in individuals with HSD17B4-related disorders in the literature. This variant is reported in 0.0033% of alleles in individuals of South Asian descent in gnomAD. At this time, the clinical significance of this variant is uncertain due to the absence of conclusive functional and genetic evidence.

NM_000414.4(HSD17B4):c.1312G>A (p.Gly438Ser)

Gene: HSD17B4 (hydroxysteroid 17-beta dehydrogenase 4; plus strand). Cytogenetic location: 5q23.1.
Variant type: single nucleotide variant.
Coding change: c.1312G>A on transcript NM_000414.4 (MANE Select); coding-DNA position 1312, G replaced by A.
Protein change: p.Gly438Ser; replaces glycine 438 with serine.
Molecular consequence: missense variant. On other transcripts: non-coding transcript variant (2), intron variant (1).
Genome position (GRCh38, 1-based): chr5:119,506,868, G>A. VCF-style: chr5-119506868-G-A. GRCh37 (hg19) VCF-style: chr5-118842563-G-A.
Other names: c.1387G>A, p.Gly463Ser (NM_001199291.3); c.1258G>A, p.Gly420Ser (NM_001199292.2); c.1240G>A, p.Gly414Ser (NM_001292027.2); c.892G>A, p.Gly298Ser (NM_001292028.2); c.1303G>A, p.Gly435Ser (NM_001374497.1); c.985G>A, p.Gly329Ser (NM_001374499.1); c.871G>A, p.Gly291Ser (NM_001374500.1); c.901G>A, p.Gly301Ser (NM_001374501.1, NM_001374502.1, NM_001374503.1); and 1 more; short protein forms G291S, G298S, G301S, G329S, G414S, G420S, G435S, G438S.
Identifiers: ClinVar variation 3355393 (VCV003355393.2).